The following is an entry in ClinVar:

ClinVar aggregate classification (germline): Benign/Likely benign. Review status: criteria provided, multiple submitters, no conflicts (2 of 4 stars). 3 submissions from 3 submitters: Benign (1); Likely benign (2). Last evaluated 2025-12-30.

Conditions:
Multiple endocrine neoplasia, type 2 (MEN2). Identifiers: Orphanet 653, MedGen C4048306, MONDO:0019003. Disease mechanism: gain of function.
Hereditary cancer-predisposing syndrome. Also called: Neoplastic Syndromes, Hereditary; Tumor predisposition; Hereditary Cancer Syndrome; Hereditary neoplastic syndrome. Identifiers: Orphanet 140162, MedGen C0027672, MeSH D009386, MONDO:0015356.
Multiple endocrine neoplasia type 2A. Also called: MULTIPLE ENDOCRINE NEOPLASIA, TYPE IIA; PTC SYNDROME; SIPPLE SYNDROME; MEN 2A; MEN-2A syndrome; Pheochromocytoma and amyloid producing medullary thyroid carcinoma. Identifiers: Orphanet 247698, Orphanet 653, MedGen C0025268, MeSH D018813, MONDO:0008234, OMIM 171400.

Allele frequency attached by ClinVar (database versions not stated): gnomAD 0.00001; gnomAD exomes 0.00001 and 0.00002; TOPMed 0.00001; ExAC 0.00003.
gnomAD v4.1: 13 of 1,613,072 alleles (0.00081%); highest among the groups gnomAD compares: South Asian, 0.0033%; no homozygotes.

Submissions (3):

Labcorp Genetics (formerly Invitae), Labcorp
Classification: Likely benign for Multiple endocrine neoplasia, type 2. Last evaluated: 2025-12-30. Review status: criteria provided, single submitter. Criteria: Invitae Variant Classification Sherloc (09022015). Collection method: clinical testing. Allele origin: germline.

Myriad Genetics, Inc.
Classification: Benign for Multiple endocrine neoplasia type 2A. Last evaluated: 2025-02-25. Review status: criteria provided, single submitter. Criteria: Myriad Autosomal Dominant, Autosomal Recessive and X-Linked Classification Criteria (2023). Collection method: clinical testing. Allele origin: unknown.
Comment: This variant is considered benign. This variant is a silent/synonymous amino acid change and it is not expected to impact splicing.

Ambry Genetics
Classification: Likely benign for Hereditary cancer-predisposing syndrome. Last evaluated: 2018-03-27. Review status: criteria provided, single submitter. Criteria: Ambry Variant Classification Scheme 2023. Collection method: clinical testing. Allele origin: germline.

NM_020975.6(RET):c.906C>T (p.Asp302=)

Gene: RET (ret proto-oncogene; plus strand). Cytogenetic location: 10q11.21.
Variant type: single nucleotide variant.
Coding change: c.906C>T on transcript NM_020975.6 (MANE Select); coding-DNA position 906, C replaced by T.
Protein change: p.Asp302=; no amino-acid change (aspartic acid 302 retained).
Molecular consequence: synonymous variant. On other transcripts: intron variant (25).
Genome position (GRCh38, 1-based): chr10:43,106,414, C>T. VCF-style: chr10-43106414-C-T. GRCh37 (hg19) VCF-style: chr10-43601862-C-T.
Other names: c.906C>T, p.Asp302= (NM_000323.2, NM_001406743.1, NM_001406744.1 and 6 more transcripts); c.144C>T, p.Asp48= (NM_001355216.2); c.777C>T, p.Asp259= (NM_001406761.1, NM_001406762.1, NM_001406764.1 and 1 more transcripts); c.618C>T, p.Asp206= (NM_001406766.1, NM_001406767.1, NM_001406770.1); c.867+1221C>T (NM_001406772.1, NM_001406769.1); c.626-2617C>T (NM_001406773.1, NM_001406771.1); c.625+3785C>T (NM_001406782.1, NM_001406780.1, NM_001406779.1 and 3 more transcripts); c.738+1221C>T (NM_001406774.1); and 5 more.
Identifiers: ClinVar variation 413464 (VCV000413464.18), dbSNP rs768934031, ClinGen allele CA045423.
Genomic context (GRCh38, chr10:43,106,414, plus strand): 5'-CAACGCCCTCTGCATCCTGCAGGACACCGTGGTGGCCACGCTGCGTGTCTTCGATGCAGA[C>T]GTGGTACCTGCATCAGGGGAGCTGGTGAGGCGGTACACAAGCACGCTGCTCCCCGGGGAC-3'
Protein context (NP_066124.1, residues 292-312): VVATLRVFDA[Asp302=]VVPASGELVR